The following is an entry in ClinVar:

ClinVar aggregate classification (germline): Uncertain significance. Review status: criteria provided, multiple submitters, no conflicts (2 of 4 stars). 2 submissions from 2 submitters: Uncertain significance (2). Last evaluated 2026-02-20.

Conditions:
Predisposition to Wilms tumor.

Submissions (2):

St. Jude Molecular Pathology, St. Jude Children's Research Hospital
Classification: Uncertain significance for Predisposition to Wilms tumor. Last evaluated: 2026-02-20. Review status: criteria provided, single submitter. Criteria: St. Jude Assertion Criteria 2020. Collection method: clinical testing. Allele origin: germline.
Comment: The NYNRIN c.3439T>C p.(Ser1147Pro) missense change has a maximum subpopulation frequency of 0.0047% in gnomAD v2.1.1. The in silico tool REVEL predicts a benign effect on protein function, but to our knowledge this prediction has not been confirmed by functional studies. To our knowledge, this variant has not been reported in individuals wit h Wilms tumor. In summary, the evidence currently available is insufficient to determine the clinical significance of this variant. It has therefore been classified as of uncertain significance.

Labcorp Genetics (formerly Invitae), Labcorp
Classification: Uncertain significance. Last evaluated: 2024-05-09. Review status: criteria provided, single submitter. Criteria: Invitae Variant Classification Sherloc (09022015). Collection method: clinical testing. Allele origin: germline.
Comment: This sequence change replaces serine, which is neutral and polar, with proline, which is neutral and non-polar, at codon 1147 of the NYNRIN protein (p.Ser1147Pro). This variant is present in population databases (rs758476040, gnomAD 0.005%). This variant has not been reported in the literature in individuals affected with NYNRIN-related conditions. Experimental studies and prediction algorithms are not available or were not evaluated, and the functional significance of this variant is currently unknown. In summary, the available evidence is currently insufficient to determine the role of this variant in disease. Therefore, it has been classified as a Variant of Uncertain Significance.

NM_025081.3(NYNRIN):c.3439T>C (p.Ser1147Pro)

Gene: NYNRIN (NYN domain and retroviral integrase containing; plus strand). Cytogenetic location: 14q12.
Variant type: single nucleotide variant.
Coding change: c.3439T>C on transcript NM_025081.3 (MANE Select); coding-DNA position 3439, T replaced by C.
Protein change: p.Ser1147Pro; replaces serine 1147 with proline.
Molecular consequence: missense variant.
Genome position (GRCh38, 1-based): chr14:24,415,188, T>C. VCF-style: chr14-24415188-T-C. GRCh37 (hg19) VCF-style: chr14-24884394-T-C.
Other names: short protein forms S1147P.
Identifiers: ClinVar variation 3631463 (VCV003631463.3).